The following is an entry in ClinVar:

ClinVar aggregate classification (germline): Uncertain significance. Review status: criteria provided, multiple submitters, no conflicts (2 of 4 stars). 2 submissions from 2 submitters: Uncertain significance (2). Last evaluated 2021-01-14.

Conditions:
Hereditary cancer-predisposing syndrome. Also called: Tumor predisposition; Hereditary neoplastic syndrome; Neoplastic Syndromes, Hereditary; Hereditary Cancer Syndrome. Identifiers: Orphanet 140162, MedGen C0027672, MeSH D009386, MONDO:0015356.

Submissions (2):

Labcorp Genetics (formerly Invitae), Labcorp
Classification: Uncertain significance for Hereditary cancer-predisposing syndrome. Last evaluated: 2021-01-14. Review status: criteria provided, single submitter. Criteria: Invitae Variant Classification Sherloc (09022015). Collection method: clinical testing. Allele origin: germline.
Comment: Algorithms developed to predict the effect of missense changes on protein structure and function are either unavailable or do not agree on the potential impact of this missense change (SIFT: "Tolerated"; PolyPhen-2: "Possibly Damaging"; Align-GVGD: "Class C0"). In summary, the available evidence is currently insufficient to determine the role of this variant in disease. Therefore, it has been classified as a Variant of Uncertain Significance. This variant has not been reported in the literature in individuals with RAD50-related conditions. ClinVar contains an entry for this variant (Variation ID: 818795). This sequence change replaces glutamine with histidine at codon 428 of the RAD50 protein (p.Gln428His). The glutamine residue is moderately conserved and there is a small physicochemical difference between glutamine and histidine. This variant is not present in population databases (ExAC no frequency).

Ambry Genetics
Classification: Uncertain significance for Hereditary cancer-predisposing syndrome. Last evaluated: 2019-07-17. Review status: criteria provided, single submitter. Criteria: Ambry Variant Classification Scheme 2023. Collection method: clinical testing. Allele origin: germline.
Comment: The p.Q428H variant (also known as c.1284G>C), located in coding exon 9 of the RAD50 gene, results from a G to C substitution at nucleotide position 1284. The glutamine at codon 428 is replaced by histidine, an amino acid with highly similar properties. This amino acid position is highly conserved through mammals but not in all available vertebrate species. In addition, this alteration is predicted to be tolerated by in silico analysis. Since supporting evidence is limited at this time, the clinical significance of this alteration remains unclear.

NM_005732.4(RAD50):c.1284G>C (p.Gln428His)

Gene: RAD50 (RAD50 double strand break repair protein; plus strand). Cytogenetic location: 5q31.1.
Variant type: single nucleotide variant.
Coding change: c.1284G>C on transcript NM_005732.4 (MANE Select); coding-DNA position 1284, G replaced by C.
Protein change: p.Gln428His; replaces glutamine 428 with histidine.
Molecular consequence: missense variant.
Genome position (GRCh38, 1-based): chr5:132,589,669, G>C. VCF-style: chr5-132589669-G-C. GRCh37 (hg19) VCF-style: chr5-131925361-G-C.
Other names: short protein forms Q428H.
Identifiers: ClinVar variation 818795 (VCV000818795.12), dbSNP rs786201152, ClinGen allele CA360943662.